The following is an entry in ClinVar:

NM_001042492.3(NF1):c.166del (p.Ser56fs)

Gene: NF1 (neurofibromin 1; plus strand). Cytogenetic location: 17q11.2.
Variant type: Deletion.
Coding change: c.166del on transcript NM_001042492.3 (MANE Select); coding-DNA position 166, one base deleted (A; older notation c.166delA).
Protein change: p.Ser56fs; shifts the reading frame from serine 56.
Molecular consequence: frameshift variant.
Genome position (GRCh38, 1-based): chr17:31,156,088, A deleted; the last of 2 consecutive A bases (chr17:31,156,087-31,156,088); deleting either gives the same sequence. VCF-style (leftmost placement, unchanged base first): chr17-31156086-TA-T. GRCh37 (hg19) VCF-style: chr17-29483104-TA-T.
Other names: c.166delA (NM_000267.3); c.166delA, p.Ser56Alafs (NM_000267.4); c.166del, p.Ser56fs (NM_001128147.3); short protein forms S56fs.
Identifiers: ClinVar variation 1777657 (VCV001777657.2), dbSNP rs2544681570, ClinGen allele CA2580092824.

ClinVar aggregate classification (germline): Pathogenic (1 of 4 stars; one submission).

Conditions:
Cardiovascular phenotype. Identifiers: MedGen CN230736.
Hereditary cancer-predisposing syndrome. Also called: Neoplastic Syndromes, Hereditary; Tumor predisposition; Hereditary Cancer Syndrome; Hereditary neoplastic syndrome. Identifiers: Orphanet 140162, MedGen C0027672, MeSH D009386, MONDO:0015356.

Submission:

Ambry Genetics
Classification: Pathogenic for Cardiovascular phenotype; Hereditary cancer-predisposing syndrome. Last evaluated: 2022-03-17. Review status: criteria provided, single submitter. Criteria: Ambry Variant Classification Scheme 2023. Collection method: clinical testing. Allele origin: germline.
Comment: The c.166delA pathogenic mutation, located in coding exon 2 of the NF1 gene, results from a deletion of one nucleotide at nucleotide position 166, causing a translational frameshift with a predicted alternate stop codon (p.S56Afs*7). This variant is considered to be rare based on population cohorts in the Genome Aggregation Database (gnomAD). This alteration is expected to result in loss of function by premature protein truncation or nonsense-mediated mRNA decay. As such, this alteration is interpreted as a disease-causing mutation.